The following is an entry in ClinVar:

ClinVar aggregate classification (germline): Uncertain significance (1 of 4 stars; one submission).

Submission:

Women's Health and Genetics/Laboratory Corporation of America, LabCorp
Classification: Uncertain significance. Last evaluated: 2025-07-17. Review status: criteria provided, single submitter. Criteria: LabCorp Variant Classification Summary - May 2015. Collection method: clinical testing. Allele origin: germline.
Comment: Variant summary: COX20 c.185dupG (p.Val63SerfsX16) results in a premature termination codon, predicted to cause a truncation of the encoded protein, although it is not expected to result in nonsense mediated decay. Current evidence is not sufficient to establish loss of function as a mechanism for disease. The variant was absent in 251118 control chromosomes (gnomAD). The available data on variant occurrences in the general population are insufficient to allow any conclusion about variant significance. To our knowledge, no occurrence of c.185dupG in individuals affected with Mitochondrial Complex 4 Deficiency, Nuclear Type 11 and no experimental evidence demonstrating its impact on protein function have been reported. ClinVar contains an entry for this variant (Variation ID: 1705158). Based on the evidence outlined above, the variant was classified as uncertain significance.

NM_198076.6(COX20):c.185dup (p.Val63fs)

Gene: COX20 (cytochrome c oxidase assembly factor COX20; plus strand). Cytogenetic location: 1q44.
Variant type: Duplication.
Coding change: c.185dup on transcript NM_198076.6 (MANE Select); coding-DNA position 185, one base duplicated (G; older notation c.185dupG).
Protein change: p.Val63fs; shifts the reading frame from valine 63.
Molecular consequence: frameshift variant. On other transcripts: non-coding transcript variant (3).
Genome position (GRCh38, 1-based): chr1:244,842,222, G duplicated; the last of 2 consecutive G bases (chr1:244,842,221-244,842,222); duplicating either gives the same sequence. VCF-style (leftmost placement, unchanged base first): chr1-244842220-T-TG. GRCh37 (hg19) VCF-style: chr1-245005522-T-TG.
Other names: c.185dup, p.Val63fs (NM_001312871.1); c.221dup, p.Val75fs (NM_001312872.1); c.50dup, p.Val18fs (NM_001312873.1); c.181dup, p.Glu61fs (NM_001312874.1); c.185dupG (NM_198076.6); short protein forms E61fs, V18fs, V63fs, V75fs.
Identifiers: ClinVar variation 1705158 (VCV001705158.2), dbSNP rs1488568002, ClinGen allele CA733933661.